The following is an entry in ClinVar:

NM_000038.6(APC):c.4583_4587del (p.Val1528fs)

Gene: APC (APC regulator of Wnt signaling pathway; plus strand). Cytogenetic location: 5q22.2.
Variant type: Deletion.
Coding change: c.4583_4587del on transcript NM_000038.6 (MANE Select); coding-DNA positions 4583 to 4587, 5 bases deleted (TTCAG; older notation c.4583_4587delTTCAG).
Protein change: p.Val1528fs; shifts the reading frame from valine 1528.
Molecular consequence: frameshift variant.
Genome position (GRCh38, 1-based): chr5:112,840,177-112,840,181, TTCAG deleted; deleting any 5 consecutive bases within chr5:112,840,174-112,840,181 gives the same sequence; the c. name uses the placement nearest the transcript's 3' end. VCF-style (leftmost placement, unchanged base first): chr5-112840173-CCAGTT-C. GRCh37 (hg19) VCF-style: chr5-112175870-CCAGTT-C.
Other names: c.4583_4587del, p.Val1528fs (NM_001127510.3, NM_001354895.2); c.4529_4533del, p.Val1510fs (NM_001127511.3); c.4637_4641del, p.Val1546fs (NM_001354896.2); c.4613_4617del, p.Val1538fs (NM_001354897.2); c.4508_4512del, p.Val1503fs (NM_001354898.2); c.4499_4503del, p.Val1500fs (NM_001354899.2); c.4460_4464del, p.Val1487fs (NM_001354900.2); c.4406_4410del, p.Val1469fs (NM_001354901.2); and 6 more; short protein forms V1245fs, V1427fs, V1528fs, V1538fs, V1469fs, V1487fs, V1500fs, V1503fs.
Identifiers: ClinVar variation 654912 (VCV000654912.13), dbSNP rs1580649885, ClinGen allele CA915943494.

ClinVar aggregate classification (germline): Pathogenic. Review status: criteria provided, multiple submitters, no conflicts (2 of 4 stars). 2 submissions from 2 submitters: Pathogenic (2). Last evaluated 2024-06-13.

Conditions:
Familial adenomatous polyposis 1 (FAP1). Also called: FAMILIAL ADENOMATOUS POLYPOSIS 1, ATTENUATED; POLYPOSIS, ADENOMATOUS INTESTINAL. Identifiers: MedGen C2713442, MONDO:0021056, OMIM 175100. Disease mechanism: loss of function.

Submissions (2):

Labcorp Genetics (formerly Invitae), Labcorp
Classification: Pathogenic for Familial adenomatous polyposis 1. Last evaluated: 2024-06-13. Review status: criteria provided, single submitter. Criteria: Invitae Variant Classification Sherloc (09022015). Collection method: clinical testing. Allele origin: germline.
Comment: This sequence change creates a premature translational stop signal (p.Val1528Glyfs*3) in the APC gene. While this is not anticipated to result in nonsense mediated decay, it is expected to disrupt the last 1316 amino acid(s) of the APC protein. This variant is not present in population databases (gnomAD no frequency). This premature translational stop signal has been observed in individual(s) with familial adenomatous polyposis (PMID: 23159591). ClinVar contains an entry for this variant (Variation ID: 654912). This variant is expected to disrupt the EB1 and HDLG binding sites, which mediate interactions with the cytoskeleton (PMID: 15311282, 17293347). While functional studies have not been performed to directly test the effect on APC protein function, this suggests that disruption of the C-terminal portion of the protein is functionally important. A different truncation (p.Tyr2645Lysfs*14) that lies downstream of this variant has been determined to be pathogenic (PMID: 9824584, 1316610, 27081525, 8381579, 22135120, Invitae). This suggests that deletion of this region of the APC protein is causative of disease. For these reasons, this variant has been classified as Pathogenic.

Myriad Genetics, Inc.
Classification: Pathogenic for Familial adenomatous polyposis 1. Last evaluated: 2023-05-11. Review status: criteria provided, single submitter. Criteria: Myriad Autosomal Dominant, Autosomal Recessive and X-Linked Classification Criteria (2023). Collection method: clinical testing. Allele origin: unknown.
Comment: This variant is considered pathogenic. This variant creates a frameshift predicted to result in premature protein truncation.

Literature cited by the submitters: PubMed 23159591 (cited by Labcorp Genetics (formerly Invitae), Labcorp); PubMed 15311282 (cited by Labcorp Genetics (formerly Invitae), Labcorp); PubMed 17293347 (cited by Labcorp Genetics (formerly Invitae), Labcorp); PubMed 9824584 (cited by Labcorp Genetics (formerly Invitae), Labcorp); PubMed 1316610 (cited by Labcorp Genetics (formerly Invitae), Labcorp); PubMed 27081525 (cited by Labcorp Genetics (formerly Invitae), Labcorp); PubMed 8381579 (cited by Labcorp Genetics (formerly Invitae), Labcorp); PubMed 22135120 (cited by Labcorp Genetics (formerly Invitae), Labcorp).